The following is an entry in ClinVar:

NM_005327.7(HADH):c.707G>A (p.Arg236Gln)

Gene: HADH (hydroxyacyl-CoA dehydrogenase; plus strand). Cytogenetic location: 4q25.
Variant type: single nucleotide variant.
Coding change: c.707G>A on transcript NM_005327.7 (MANE Select); coding-DNA position 707, G replaced by A.
Protein change: p.Arg236Gln; replaces arginine 236 with glutamine.
Molecular consequence: missense variant.
Genome position (GRCh38, 1-based): chr4:108,027,758, G>A. VCF-style: chr4-108027758-G-A. GRCh37 (hg19) VCF-style: chr4-108948914-G-A.
Other names: c.707G>A, p.Arg236Gln (NM_001184705.4); c.719G>A, p.Arg240Gln (NM_001331027.2); short protein forms R236Q, R240Q.
Identifiers: ClinVar variation 1467877 (VCV001467877.3), dbSNP rs748945961, ClinGen allele CA3037552.

ClinVar aggregate classification (germline): Uncertain significance (1 of 4 stars; one submission).

Conditions:
Deficiency of 3-hydroxyacyl-CoA dehydrogenase. Also called: 3-hydroxyacyl-CoA dehydrogenase deficiency; HADH DEFICIENCY. Identifiers: Orphanet 309127, Orphanet 71212, MedGen C1291230, MONDO:0017715, OMIM 231530.

Allele frequency attached by ClinVar (database versions not stated): ExAC 0.00001; gnomAD 0.00001; gnomAD exomes 0.00001; TOPMed 0.00002.
gnomAD v4.1: 19 of 1,588,912 alleles (0.0012%); highest among the groups gnomAD compares: African/African-American, 0.0054%; no homozygotes.

Submission:

Labcorp Genetics (formerly Invitae), Labcorp
Classification: Uncertain significance for Deficiency of 3-hydroxyacyl-CoA dehydrogenase. Last evaluated: 2021-11-30. Review status: criteria provided, single submitter. Criteria: Invitae Variant Classification Sherloc (09022015). Collection method: clinical testing. Allele origin: germline.
Comment: This sequence change replaces arginine, which is basic and polar, with glutamine, which is neutral and polar, at codon 236 of the HADH protein (p.Arg236Gln). This variant is present in population databases (rs748945961, gnomAD 0.01%). This variant has not been reported in the literature in individuals affected with HADH-related conditions. Algorithms developed to predict the effect of missense changes on protein structure and function (SIFT, PolyPhen-2, Align-GVGD) all suggest that this variant is likely to be disruptive. In summary, the available evidence is currently insufficient to determine the role of this variant in disease. Therefore, it has been classified as a Variant of Uncertain Significance.